The following is an entry in ClinVar:

NM_032730.5(RTN4IP1):c.1083+2T>C

Gene: RTN4IP1 (reticulon 4 interacting protein 1; minus strand). Cytogenetic location: 6q21.
Variant type: single nucleotide variant.
Coding change: c.1083+2T>C on transcript NM_032730.5 (MANE Select); the canonical splice donor site of the intron after coding-DNA position 1083, T replaced by C.
Molecular consequence: splice donor variant.
Genome position (GRCh38, 1-based): chr6:106,583,326, A>G on the plus strand (T>C on the coding strand, the complement: RTN4IP1 is on the minus strand). VCF-style: chr6-106583326-A-G. GRCh37 (hg19) VCF-style: chr6-107031201-A-G.
Other names: c.783+2T>C (NM_001318746.1).
Identifiers: ClinVar variation 840561 (VCV000840561.11), dbSNP rs771414313, ClinGen allele CA3944293.

ClinVar aggregate classification (germline): Pathogenic/Likely pathogenic. Review status: criteria provided, multiple submitters, no conflicts (2 of 4 stars). 2 submissions from 2 submitters: Pathogenic (1); Likely pathogenic (1). Last evaluated 2023-07-14.

Conditions:
RTN4IP1-related disorder. Also called: RTN4IP1-related condition.

Allele frequency attached by ClinVar (database versions not stated): gnomAD exomes 0.00001 and 0.00003; TOPMed 0.00001; ExAC 0.00002.
gnomAD v4.1: 47 of 1,612,500 alleles (0.0029%); highest among the groups gnomAD compares: Non-Finnish European, 0.0039%; no homozygotes.

Submissions (2):

Labcorp Genetics (formerly Invitae), Labcorp
Classification: Pathogenic. Last evaluated: 2023-07-14. Review status: criteria provided, single submitter. Criteria: Invitae Variant Classification Sherloc (09022015). Collection method: clinical testing. Allele origin: germline.
Comment: This variant is present in population databases (rs771414313, gnomAD 0.003%). This sequence change affects a donor splice site in intron 8 of the RTN4IP1 gene. While this variant is not anticipated to result in nonsense mediated decay, it likely alters RNA splicing and results in a disrupted protein product. This variant has not been reported in the literature in individuals affected with RTN4IP1-related conditions. For these reasons, this variant has been classified as Pathogenic. This variant disrupts a region of the RTN4IP1 protein in which other variant(s) (p.Arg388*) have been determined to be pathogenic (PMID: 31077085). This suggests that this is a clinically significant region of the protein, and that variants that disrupt it are likely to be disease-causing. Variants that disrupt the consensus splice site are a relatively common cause of aberrant splicing (PMID: 17576681, 9536098). Algorithms developed to predict the effect of sequence changes on RNA splicing suggest that this variant may disrupt the consensus splice site. ClinVar contains an entry for this variant (Variation ID: 840561).

Blueprint Genetics
Classification: Likely pathogenic for RTN4IP1-related disorders. Last evaluated: 2020-08-11. Review status: criteria provided, single submitter. Criteria: ACMG Guidelines, 2015. Collection method: clinical testing. Allele origin: germline. Affected: yes. Observed: 5 variant alleles.

Literature cited by the submitters: PubMed 31077085 (cited by Labcorp Genetics (formerly Invitae), Labcorp); PubMed 17576681 (cited by Labcorp Genetics (formerly Invitae), Labcorp); PubMed 9536098 (cited by Labcorp Genetics (formerly Invitae), Labcorp).